The following is an entry in ClinVar:

ClinVar aggregate classification (germline): Uncertain significance. Review status: criteria provided, multiple submitters, no conflicts (2 of 4 stars). 2 submissions from 2 submitters: Uncertain significance (2). Last evaluated 2025-02-11.

Conditions:
Hereditary cancer-predisposing syndrome. Also called: Neoplastic Syndromes, Hereditary; Hereditary neoplastic syndrome; Tumor predisposition; Hereditary Cancer Syndrome. Identifiers: Orphanet 140162, MedGen C0027672, MeSH D009386, MONDO:0015356.
Familial adenomatous polyposis 1 (FAP1). Also called: FAMILIAL ADENOMATOUS POLYPOSIS 1, ATTENUATED; POLYPOSIS, ADENOMATOUS INTESTINAL. Identifiers: MedGen C2713442, MONDO:0021056, OMIM 175100. Disease mechanism: loss of function.

Submissions (2):

Labcorp Genetics (formerly Invitae), Labcorp
Classification: Uncertain significance for Familial adenomatous polyposis 1. Last evaluated: 2025-02-11. Review status: criteria provided, single submitter. Criteria: Invitae Variant Classification Sherloc (09022015). Collection method: clinical testing. Allele origin: germline.
Comment: This sequence change replaces aspartic acid, which is acidic and polar, with alanine, which is neutral and non-polar, at codon 67 of the APC protein (p.Asp67Ala). This variant is not present in population databases (gnomAD no frequency). This variant has not been reported in the literature in individuals affected with APC-related conditions. ClinVar contains an entry for this variant (Variation ID: 1392778). Invitae Evidence Modeling of protein sequence and biophysical properties (such as structural, functional, and spatial information, amino acid conservation, physicochemical variation, residue mobility, and thermodynamic stability) indicates that this missense variant is not expected to disrupt APC protein function with a negative predictive value of 95%. In summary, the available evidence is currently insufficient to determine the role of this variant in disease. Therefore, it has been classified as a Variant of Uncertain Significance.

Ambry Genetics
Classification: Uncertain significance for Hereditary cancer-predisposing syndrome. Last evaluated: 2023-06-29. Review status: criteria provided, single submitter. Criteria: Ambry Variant Classification Scheme 2023. Collection method: clinical testing. Allele origin: germline.
Comment: The p.D67A variant (also known as c.200A>C), located in coding exon 2 of the APC gene, results from an A to C substitution at nucleotide position 200. The aspartic acid at codon 67 is replaced by alanine, an amino acid with dissimilar properties. This amino acid position is well conserved in available vertebrate species. In addition, in silico predictors for this gene do not accurately predict pathogenicity. Since supporting evidence is limited at this time, the clinical significance of this alteration remains unclear.

NM_000038.6(APC):c.200A>C (p.Asp67Ala)

Gene: APC (APC regulator of Wnt signaling pathway; plus strand). Cytogenetic location: 5q22.2.
Variant type: single nucleotide variant.
Coding change: c.200A>C on transcript NM_000038.6 (MANE Select); coding-DNA position 200, A replaced by C.
Protein change: p.Asp67Ala; replaces aspartic acid 67 with alanine.
Molecular consequence: missense variant. On other transcripts: 5 prime UTR variant (1).
Genome position (GRCh38, 1-based): chr5:112,766,390, A>C. VCF-style: chr5-112766390-A-C. GRCh37 (hg19) VCF-style: chr5-112102087-A-C.
Other names: c.200A>C, p.Asp67Ala (NM_001127510.3, NM_001354895.2, NM_001354896.2 and 2 more transcripts); c.230A>C, p.Asp77Ala (NM_001127511.3, NM_001354897.2, NM_001354902.2); c.125A>C, p.Asp42Ala (NM_001354898.2, NM_001354904.2); c.23A>C, p.Asp8Ala (NM_001354900.2, NM_001354901.2, NM_001354905.2); c.-836A>C (NM_001354906.2); short protein forms D67A, D77A, D42A, D8A.
Identifiers: ClinVar variation 1392778 (VCV001392778.8), dbSNP rs2149784628, ClinGen allele CA16021779.